The following is an entry in ClinVar:

NM_174936.4(PCSK9):c.737G>T (p.Ser246Ile)

Gene: PCSK9 (proprotein convertase subtilisin/kexin type 9; plus strand). Cytogenetic location: 1p32.3.
Variant type: single nucleotide variant.
Coding change: c.737G>T on transcript NM_174936.4 (MANE Select); coding-DNA position 737, G replaced by T.
Protein change: p.Ser246Ile; replaces serine 246 with isoleucine.
Molecular consequence: missense variant. On other transcripts: non-coding transcript variant (8).
Genome position (GRCh38, 1-based): chr1:55,052,729, G>T. VCF-style: chr1-55052729-G-T. GRCh37 (hg19) VCF-style: chr1-55518402-G-T.
Other names: c.860G>T, p.Ser287Ile (NM_001407240.1); c.737G>T, p.Ser246Ile (NM_001407241.1, NM_001407244.1, NM_001407247.1); c.740G>T, p.Ser247Ile (NM_001407242.1); c.680G>T, p.Ser227Ile (NM_001407243.1); c.545G>T, p.Ser182Ile (NM_001407245.1); c.362G>T, p.Ser121Ile (NM_001407246.1); short protein forms S227I, S246I, S287I, S182I, S247I, S121I.
Identifiers: ClinVar variation 2554736 (VCV002554736.3), dbSNP rs1644684860, ClinGen allele CA340474036.

ClinVar aggregate classification (germline): Uncertain significance (1 of 4 stars; one submission).

Conditions:
Cardiovascular phenotype. Identifiers: MedGen CN230736.

Allele frequency attached by ClinVar (database versions not stated): gnomAD exomes below 0.00001.
gnomAD v4.1: 1 of 1,613,188 alleles (0.000062%); highest among the groups gnomAD compares: Non-Finnish European, 0.000085%; no homozygotes.

Submission:

Ambry Genetics
Classification: Uncertain significance for Cardiovascular phenotype. Last evaluated: 2026-07-07. Review status: criteria provided, single submitter. Criteria: Ambry Variant Classification Scheme 2023. Collection method: clinical testing. Allele origin: germline.
Comment: The p.S246I variant (also known as c.737G>T), located in coding exon 5 of the PCSK9 gene, results from a G to T substitution at nucleotide position 737. The serine at codon 246 is replaced by isoleucine, an amino acid with dissimilar properties. This amino acid position is conserved. In addition, this alteration is predicted to be tolerated by in silico analysis. Based on the available evidence, the clinical significance of this variant remains unclear.